The following is an entry in ClinVar:

ClinVar aggregate classification (germline): Uncertain significance. Review status: criteria provided, multiple submitters, no conflicts (2 of 4 stars). 4 submissions from 4 submitters: Uncertain significance (4). Last evaluated 2024-11-12.

Conditions:
Cortical dysplasia-focal epilepsy syndrome (PTHSL1). Also called: Pitt-Hopkins-like syndrome 1. Identifiers: Orphanet 163681, Orphanet 221150, MedGen C2750246, MONDO:0012400, OMIM 610042.

Allele frequency attached by ClinVar (database versions not stated): TOPMed 0.00002.

Submissions (4):

Blueprint Genetics
Classification: Uncertain significance. Last evaluated: 2024-11-12. Review status: criteria provided, single submitter. Criteria: ACMG Guidelines, 2015. Collection method: clinical testing. Allele origin: germline.

Labcorp Genetics (formerly Invitae), Labcorp
Classification: Uncertain significance for Cortical dysplasia-focal epilepsy syndrome. Last evaluated: 2022-09-15. Review status: criteria provided, single submitter. Criteria: Invitae Variant Classification Sherloc (09022015). Collection method: clinical testing. Allele origin: germline.
Comment: This sequence change replaces arginine, which is basic and polar, with histidine, which is basic and polar, at codon 915 of the CNTNAP2 protein (p.Arg915His). This variant is present in population databases (rs369919189, gnomAD 0.004%). This variant has not been reported in the literature in individuals affected with CNTNAP2-related conditions. ClinVar contains an entry for this variant (Variation ID: 434807). Algorithms developed to predict the effect of missense changes on protein structure and function are either unavailable or do not agree on the potential impact of this missense change (SIFT: "Deleterious"; PolyPhen-2: "Possibly Damaging"; Align-GVGD: "Class C0"). In summary, the available evidence is currently insufficient to determine the role of this variant in disease. Therefore, it has been classified as a Variant of Uncertain Significance.

Revvity Omics, Revvity
Classification: Uncertain significance for Cortical dysplasia-focal epilepsy syndrome. Last evaluated: 2020-12-04. Review status: criteria provided, single submitter. Criteria: ACMG Guidelines, 2015. Collection method: clinical testing. Allele origin: germline.

Genetic Services Laboratory, University of Chicago
Classification: Uncertain significance. Last evaluated: 2015-10-23. Review status: criteria provided, single submitter. Criteria: ACMG Guidelines, 2015. Collection method: clinical testing. Allele origin: germline. Affected: no.

NM_014141.6(CNTNAP2):c.2744G>A (p.Arg915His)

Gene: CNTNAP2 (contactin associated protein 2; plus strand). Cytogenetic location: 7q35.
Variant type: single nucleotide variant.
Coding change: c.2744G>A on transcript NM_014141.6 (MANE Select); coding-DNA position 2744, G replaced by A.
Protein change: p.Arg915His; replaces arginine 915 with histidine.
Molecular consequence: missense variant.
Genome position (GRCh38, 1-based): chr7:148,147,680, G>A. VCF-style: chr7-148147680-G-A. GRCh37 (hg19) VCF-style: chr7-147844772-G-A.
Other names: short protein forms R915H.
Identifiers: ClinVar variation 434807 (VCV000434807.16), dbSNP rs369919189, ClinGen allele CA4546467.